The following is an entry in ClinVar:

ClinVar aggregate classification (germline): Pathogenic. Review status: reviewed by expert panel (3 of 4 stars). 2 submissions from 2 submitters: Pathogenic (1). 1 of the submissions does not count toward it. Last evaluated 2017-12-15.

Conditions:
Breast neoplasm. Also called: Breast Neoplasms; Neoplasm of the breast; Neoplasm of breast; Breast tumor. Identifiers: MedGen C1458155, MeSH D001943, MONDO:0021100, HP:0100013. Disease mechanism: gain of function.
Breast-ovarian cancer, familial, susceptibility to, 1 (BROVCA1). Also called: BRCA1 Hereditary Breast and Ovarian Cancer; OVARIAN CANCER, SUSCEPTIBILITY TO. Identifiers: Orphanet 145, MedGen C2676676, MONDO:0011450, OMIM 604370. Disease mechanism: loss of function.

Submissions (2):

Evidence-based Network for the Interpretation of Germline Mutant Alleles (ENIGMA)
Classification: Pathogenic for Breast-ovarian cancer, familial, susceptibility to, 1. Last evaluated: 2017-12-15. Review status: reviewed by expert panel. Criteria: ENIGMA BRCA1/2 Classification Criteria (2017-06-29). Collection method: curation. Allele origin: germline. Study: ENIGMA.
Comment: Variant allele predicted to encode a truncated non-functional protein.

Laboratory of Molecular Diagnosis of Cancer, West China Hospital, Sichuan University
Classification: Pathogenic for Breast neoplasm. Last evaluated: 2015-11-01. Review status: criteria provided, single submitter. Criteria: ACMG Guidelines, 2015. Collection method: research. Allele origin: germline. Affected: yes. Observed: 1 variant allele. Not counted in ClinVar's aggregate classification.

Literature cited by the submitters: PubMed 27257965 (cited by Laboratory of Molecular Diagnosis of Cancer, West China Hospital, Sichuan University).

NM_007294.4(BRCA1):c.3819_3823del (p.Gln1273fs)

Genes: BRCA1 (BRCA1 DNA repair associated; minus strand), LOC126862571 (BRD4-independent group 4 enhancer GRCh37_chr17:41243136-41244335; plus strand). Cytogenetic location: 17q21.31.
Variant type: Deletion.
Coding change: c.3819_3823del on transcript NM_007294.4 (MANE Select); coding-DNA positions 3819 to 3823, 5 bases deleted (GGTAA; older notation c.3819_3823delGGTAA).
Protein change: p.Gln1273fs; shifts the reading frame from glutamine 1273.
Molecular consequence: frameshift variant. On other transcripts: intron variant (135).
Genome position (GRCh38, 1-based): chr17:43,091,708-43,091,712, TTACC deleted on the plus strand (GGTAA on the coding strand, the reverse complement: BRCA1 is on the minus strand); deleting any 5 consecutive bases within chr17:43,091,708-43,091,713 gives the same sequence; the c. name uses the placement nearest the transcript's 3' end. VCF-style (leftmost placement, unchanged base first): chr17-43091707-ATTACC-A. GRCh37 (hg19) VCF-style: chr17-41243724-ATTACC-A.
Other names: c.3819_3823delGGTAA (NM_007294.3); c.3741_3745del, p.Gln1247fs (NM_001407657.1, NM_001407658.1, NM_001407663.1 and 4 more transcripts); c.3738_3742del, p.Gln1246fs (NM_001407659.1, NM_001407660.1, NM_001407661.1 and 1 more transcripts); c.3696_3700del, p.Gln1232fs (NM_001407664.1, NM_001407665.1, NM_001407666.1 and 19 more transcripts); c.3693_3697del, p.Gln1231fs (NM_001407670.1, NM_001407671.1, NM_001407672.1 and 11 more transcripts); c.3819_3823del, p.Gln1273fs (NM_001407684.1, NM_001407854.1, NM_001407858.1 and 30 more transcripts); c.3678_3682del, p.Gln1226fs (NM_001407692.1, NM_001407694.1, NM_001407695.1 and 29 more transcripts); c.3675_3679del, p.Gln1225fs (NM_001407740.1, NM_001407741.1, NM_001407742.1 and 20 more transcripts); and 42 more; short protein forms Q1226fs, Q1273fs, Q1145fs, Q1162fs, Q1206fs, Q1231fs, Q1247fs, Q1105fs.
Identifiers: ClinVar variation 224418 (VCV000224418.3), dbSNP rs886037785, ClinGen allele CA10575946.
Genomic context (GRCh38, chr17:43,091,707, plus strand): 5'-AAGCTAGCAGAACATTTTGTTTCCTCACTAAGGTGATGTTCCTGAGATGCCTTTGCCAAT[ATTACC>A]TGGTTACTGCAGTCATTTAAGCTATTCTTCAATGATAATAAATTCTCCTCTGTGTTCTTA-3'